The following is an entry in ClinVar:

NM_032830.3(UTP4):c.714C>T (p.Asp238=)

Gene: UTP4 (UTP4 small subunit processome component). Cytogenetic location: 16q22.1.
Variant type: single nucleotide variant.
Coding change: c.714C>T on transcript NM_032830.3 (MANE Select); coding-DNA position 714, C replaced by T.
Protein change: p.Asp238=; no amino-acid change (aspartic acid 238 retained).
Molecular consequence: synonymous variant.
Genome position (GRCh38, 1-based): chr16:69,143,365, C>T. VCF-style: chr16-69143365-C-T. GRCh37 (hg19) VCF-style: chr16-69177268-C-T.
Other names: c.465C>T, p.Asp155= (NM_001318391.2).
Identifiers: ClinVar variation 888311 (VCV000888311.11), dbSNP rs2288036, ClinGen allele CA8132143.

ClinVar aggregate classification (germline): Benign. Review status: criteria provided, multiple submitters, no conflicts (2 of 4 stars). 4 submissions from 4 submitters: Benign (3). 1 of the submissions does not count toward it. Last evaluated 2026-02-01.

Conditions:
UTP4-related disorder. Also called: UTP4-related condition.
Hereditary North American Indian childhood cirrhosis. Identifiers: Orphanet 168583, MedGen C1858051, MONDO:0011497, OMIM 604901.

Allele frequency attached by ClinVar (database versions not stated): 1000 Genomes Project 0.04333; 1000 Genomes Project 30x 0.04466; gnomAD 0.04758 and 0.04782; gnomAD exomes 0.04897 and 0.05390; ExAC 0.04944; TOPMed 0.05049; ESP Exome Variant Server 0.05240.
gnomAD v4.1: 86,012 of 1,613,940 alleles (5.3%); highest among the groups gnomAD compares: South Asian, 7.1%; 2,501 homozygotes.

Submissions (4):

Labcorp Genetics (formerly Invitae), Labcorp
Classification: Benign. Last evaluated: 2026-02-01. Review status: criteria provided, single submitter. Criteria: Invitae Variant Classification Sherloc (09022015). Collection method: clinical testing. Allele origin: germline.

Illumina Laboratory Services, Illumina
Classification: Benign for Hereditary North American Indian childhood cirrhosis. Last evaluated: 2018-01-13. Review status: criteria provided, single submitter. Criteria: ICSL Variant Classification Criteria 13 December 2019. Collection method: clinical testing. Allele origin: germline.
Comment: This variant was observed in the ICSL laboratory as part of a predisposition screen in an ostensibly healthy population. It had not been previously curated by ICSL or reported in the Human Gene Mutation Database (HGMD: prior to June 1st, 2018), and was therefore a candidate for classification through an automated scoring system. Utilizing variant allele frequency, disease prevalence and penetrance estimates, and inheritance mode, an automated score was calculated to assess if this variant is too frequent to cause the disease. Based on the score and internal cut-off values, a variant classified as benign is not then subjected to further curation. The score for this variant resulted in a classification of benign for this disease.

Breakthrough Genomics
Classification: Benign. Review status: criteria provided, single submitter. Criteria: ACMG Guidelines, 2015. Collection method: not provided. Allele origin: germline. Inheritance: Unknown mechanism. Affected: yes.

PreventionGenetics, part of Exact Sciences
Classification: Benign for UTP4-related condition. Last evaluated: 2023-06-22. Review status: no assertion criteria provided. Collection method: clinical testing. Allele origin: germline. Not counted in ClinVar's aggregate classification.
Comment: This variant is classified as benign based on ACMG/AMP sequence variant interpretation guidelines (Richards et al. 2015 PMID: 25741868, with internal and published modifications).